The following is an entry in ClinVar:

NC_000013.10:g.(?_110822874)_(110960490_?)dup

Genes: COL4A1 (collagen type IV alpha 1 chain; minus strand), COL4A2 (collagen type IV alpha 2 chain; plus strand). Cytogenetic location: 13q34.
Variant type: Duplication.
Identifiers: ClinVar variation 2424256 (VCV002424256.3).

ClinVar aggregate classification (germline): Uncertain significance (1 of 4 stars; one submission).

Submission:

Labcorp Genetics (formerly Invitae), Labcorp
Classification: Uncertain significance. Last evaluated: 2022-10-07. Review status: criteria provided, single submitter. Criteria: Invitae Variant Classification Sherloc (09022015). Collection method: clinical testing. Allele origin: germline.
Comment: This variant results in a copy number gain of the genomic region encompassing exon(s) 1-42 of the COL4A1 gene. This region includes the initiator codon of the gene. This copy number gain extends beyond the assayed region for this gene and therefore may encompass additional genes. As the precise location of this event is unknown, it may be in tandem or it may be located elsewhere in the genome. This variant has not been reported in the literature in individuals affected with COL4A1-related conditions. Experimental studies and prediction algorithms are not available or were not evaluated, and the functional significance of this variant is currently unknown. In summary, the available evidence is currently insufficient to determine the role of this variant in disease. Therefore, it has been classified as a Variant of Uncertain Significance.